The following is an entry in ClinVar:

NC_000007.14:g.(?_117614593)_(117614733_?)del

Gene: CFTR (CF transmembrane conductance regulator; plus strand). Cytogenetic location: 7q31.2.
Variant type: Deletion.
Identifiers: ClinVar variation 833277 (VCV000833277.1).

ClinVar aggregate classification (germline): Pathogenic (1 of 4 stars; one submission).

Conditions:
Cystic fibrosis (CF). Also called: MUCOVISCIDOSIS. Identifiers: Orphanet 586, MedGen C0010674, MONDO:0009061, OMIM 219700. Disease mechanism: loss of function.

Submission:

Labcorp Genetics (formerly Invitae), Labcorp
Classification: Pathogenic for Cystic fibrosis. Last evaluated: 2019-11-18. Review status: criteria provided, single submitter. Criteria: Invitae Variant Classification Sherloc (09022015). Collection method: clinical testing. Allele origin: germline.
Comment: This variant is an out-of-frame deletion of the genomic region encompassing exon 21 of the CFTR gene. This is expected to create a premature translational stop signal and result in an absent or disrupted protein product. This variant has not been reported in the literature in individuals with CFTR-related conditions. Loss-of-function variants in CFTR are known to be pathogenic (PMID: 1695717, 7691345, 9725922). For these reasons, this variant has been classified as Pathogenic.